The following is an entry in ClinVar:

NM_003850.2(SUCLA2):c.-34G>T

Gene: SUCLA2 (succinate-CoA ligase ADP-forming subunit beta; minus strand). Cytogenetic location: 13q14.2.
Variant type: single nucleotide variant.
Coding change: c.-34G>T on transcript NM_003850.2; 34 bases upstream of the start codon, G replaced by T.
Genome position (GRCh38, 1-based): chr13:48,001,303, C>A on the plus strand (G>T on the coding strand, the complement: SUCLA2 is on the minus strand). VCF-style: chr13-48001303-C-A. GRCh37 (hg19) VCF-style: chr13-48575439-C-A.
Identifiers: ClinVar variation 312275 (VCV000312275.9), dbSNP rs373530187, ClinGen allele CA6978153.

ClinVar aggregate classification (germline): Benign. Review status: criteria provided, multiple submitters, no conflicts (2 of 4 stars). 2 submissions from 2 submitters: Benign (2). Last evaluated 2018-01-13.

Conditions:
Mitochondrial DNA depletion syndrome, encephalomyopathic form with methylmalonic aciduria (MTDPS5). Also called: SUCLA2-Related Mitochondrial DNA Depletion Syndrome, Encephalomyopathic Form with Methylmalonic Aciduria; Mitochondrial encephalomyopathy aminoacidopathy; MITOCHONDRIAL DNA DEPLETION SYNDROME, ENCEPHALOMYOPATHIC FORM, WITH OR WITHOUT METHYLMALONIC ACIDURIA, AUTOSOMAL RECESSIVE, SUCLA2-RELATED; Mitochondrial DNA depletion syndrome 5 (encephalomyopathic with or without methylmalonic aciduria). Identifiers: Orphanet 1933, MedGen C5980207, MONDO:0012791, OMIM 612073.

Allele frequency attached by ClinVar (database versions not stated): gnomAD exomes 0.00184 and 0.00052; 1000 Genomes Project 30x 0.00515; TOPMed 0.00086; gnomAD 0.00059 and 0.00086; ExAC 0.00146; 1000 Genomes Project 0.00619.

Submissions (2):

Illumina Laboratory Services, Illumina
Classification: Benign for Mitochondrial DNA depletion syndrome, encephalomyopathic form with methylmalonic aciduria. Last evaluated: 2018-01-13. Review status: criteria provided, single submitter. Criteria: ICSL Variant Classification Criteria 13 December 2019. Collection method: clinical testing. Allele origin: germline.
Comment: This variant was observed in the ICSL laboratory as part of a predisposition screen in an ostensibly healthy population. It had not been previously curated by ICSL or reported in the Human Gene Mutation Database (HGMD: prior to June 1st, 2018), and was therefore a candidate for classification through an automated scoring system. Utilizing variant allele frequency, disease prevalence and penetrance estimates, and inheritance mode, an automated score was calculated to assess if this variant is too frequent to cause the disease. Based on the score and internal cut-off values, a variant classified as benign is not then subjected to further curation. The score for this variant resulted in a classification of benign for this disease.

GeneDx
Classification: Benign. Last evaluated: 2015-03-03. Review status: criteria provided, single submitter. Criteria: GeneDx Variant Classification Process June 2021. Collection method: clinical testing. Allele origin: germline. Affected: yes.